The following is an entry in ClinVar:

NM_005633.4(SOS1):c.2089G>T (p.Val697Leu)

Gene: SOS1 (SOS Ras/Rac guanine nucleotide exchange factor 1; minus strand). Cytogenetic location: 2p22.1.
Variant type: single nucleotide variant.
Coding change: c.2089G>T on transcript NM_005633.4 (MANE Select); coding-DNA position 2089, G replaced by T.
Protein change: p.Val697Leu; replaces valine 697 with leucine.
Molecular consequence: missense variant.
Genome position (GRCh38, 1-based): chr2:39,013,538, C>A on the plus strand (G>T on the coding strand, the complement: SOS1 is on the minus strand). VCF-style: chr2-39013538-C-A. GRCh37 (hg19) VCF-style: chr2-39240679-C-A.
Other names: c.2068G>T, p.Val690Leu (NM_001382394.1); c.2089G>T, p.Val697Leu (NM_001382395.1); short protein forms V697L, V690L.
Identifiers: ClinVar variation 574128 (VCV000574128.14), dbSNP rs966388444, ClinGen allele CA45661534.

ClinVar aggregate classification (germline): Uncertain significance. Review status: criteria provided, multiple submitters, no conflicts (2 of 4 stars). 6 submissions from 5 submitters: Uncertain significance (6). Last evaluated 2026-06-30.

Conditions:
RASopathy. Also called: Noonan spectrum disorder; rasopathies. Identifiers: Orphanet 536391, MedGen C5555857, MONDO:0021060.
SOS1-related disorder. Also called: SOS1-related condition.
Cardiovascular phenotype. Identifiers: MedGen CN230736.
Fibromatosis, gingival, 1 (GINGF1). Identifiers: Orphanet 2024, MedGen C4551558, MONDO:0007609, OMIM 135300.
Noonan syndrome 4 (NS4). Also called: NOONAN SYNDROME WITH PIGMENTED VILLONODULAR SYNOVITIS; SOS1-Related Noonan Syndrome. Identifiers: Orphanet 648, MedGen C1853120, MONDO:0012547, OMIM 610733.

Allele frequency attached by ClinVar (database versions not stated): gnomAD 0.00001; TOPMed 0.00002.
gnomAD v4.1: 4 of 1,610,144 alleles (0.00025%); highest among the groups gnomAD compares: Non-Finnish European, 0.00034%; no homozygotes.

Submissions (6):

PreventionGenetics, part of Exact Sciences
Classification: Uncertain significance for SOS1-related condition. Last evaluated: 2026-06-30. Review status: criteria provided, single submitter. Criteria: ACMG Guidelines, 2015. Collection method: clinical testing. Allele origin: germline.
Comment: The SOS1 c.2089G>T variant is predicted to result in the amino acid substitution p.Val697Leu. To our knowledge, this variant has not been reported in the literature in individuals with SOS1-related disorders. This variant is reported in 0.0065% of alleles in individuals of European (Non-Finnish) descent in gnomAD. At this time, the clinical significance of this variant is uncertain due to the absence of conclusive functional and genetic evidence.

Women's Health and Genetics/Laboratory Corporation of America, LabCorp
Classification: Uncertain significance. Last evaluated: 2026-05-04. Review status: criteria provided, single submitter. Criteria: LabCorp Variant Classification Summary - May 2015. Collection method: clinical testing. Allele origin: germline.

Ambry Genetics
Classification: Uncertain significance for Cardiovascular phenotype. Last evaluated: 2025-10-25. Review status: criteria provided, single submitter. Criteria: Ambry Variant Classification Scheme 2023. Collection method: clinical testing. Allele origin: germline.
Comment: The p.V697L variant (also known as c.2089G>T), located in coding exon 13 of the SOS1 gene, results from a G to T substitution at nucleotide position 2089. The valine at codon 697 is replaced by leucine, an amino acid with highly similar properties. This amino acid position is highly conserved in available vertebrate species. In addition, the in silico prediction for this alteration is inconclusive. Since supporting evidence is limited at this time, the clinical significance of this alteration remains unclear.

Labcorp Genetics (formerly Invitae), Labcorp
Classification: Uncertain significance for RASopathy. Last evaluated: 2024-05-29. Review status: criteria provided, single submitter. Criteria: Invitae Variant Classification Sherloc (09022015). Collection method: clinical testing. Allele origin: germline.
Comment: This sequence change replaces valine, which is neutral and non-polar, with leucine, which is neutral and non-polar, at codon 697 of the SOS1 protein (p.Val697Leu). This variant is present in population databases (no rsID available, gnomAD 0.007%). This variant has not been reported in the literature in individuals affected with SOS1-related conditions. ClinVar contains an entry for this variant (Variation ID: 574128). Advanced modeling of protein sequence and biophysical properties (such as structural, functional, and spatial information, amino acid conservation, physicochemical variation, residue mobility, and thermodynamic stability) has been performed at Invitae for this missense variant, however the output from this modeling did not meet the statistical confidence thresholds required to predict the impact of this variant on SOS1 protein function. In summary, the available evidence is currently insufficient to determine the role of this variant in disease. Therefore, it has been classified as a Variant of Uncertain Significance.

Genome-Nilou Lab
Classification: Uncertain significance for Noonan syndrome 4. Review status: criteria provided, single submitter. Criteria: ACMG Guidelines, 2015. Collection method: clinical testing. Allele origin: germline.

Genome-Nilou Lab
Classification: Uncertain significance for Fibromatosis, gingival, 1. Review status: criteria provided, single submitter. Criteria: ACMG Guidelines, 2015. Collection method: clinical testing. Allele origin: germline.